The following is an entry in ClinVar:

ClinVar aggregate classification (germline): Uncertain significance. Review status: criteria provided, multiple submitters, no conflicts (2 of 4 stars). 4 submissions from 4 submitters: Uncertain significance (3). 1 of the submissions does not count toward it. Last evaluated 2025-03-30.

Conditions:
Becker muscular dystrophy (BMD). Also called: MUSCULAR DYSTROPHY, PSEUDOHYPERTROPHIC PROGRESSIVE, BECKER TYPE; Becker Muscular Dystrophy (BMD). Identifiers: Orphanet 98895, MedGen C0917713, MONDO:0010311, OMIM 300376.
Cardiomyopathy (CMYO). Also called: Cardiomyopathies. Identifiers: Orphanet 167848, MedGen C0878544, MONDO:0004994, HP:0001638. Inheritance: Various modes of inheritance.
Duchenne muscular dystrophy (DMD). Also called: MUSCULAR DYSTROPHY, PSEUDOHYPERTROPHIC PROGRESSIVE, DUCHENNE TYPE; Duchenne Muscular Dystrophy (DMD). Identifiers: Orphanet 98896, MedGen C0013264, MONDO:0010679, OMIM 310200.
Dystrophin deficiency.
Cardiovascular phenotype. Identifiers: MedGen CN230736.
Dilated cardiomyopathy 3B (CMD3B). Also called: CMD3B: DMD-Related Dilated Cardiomyopathy; CARDIOMYOPATHY, DILATED, X-LINKED; DMD-Associated Dilated Cardiomyopathy. Identifiers: Orphanet 154, MedGen C3668940, MONDO:0010542, OMIM 302045.

Allele frequency attached by ClinVar (database versions not stated): ExAC 0.00001; gnomAD 0.00001 and 0.00002; gnomAD exomes 0.00001; TOPMed 0.00003.
gnomAD v4.1: 1 of 1,193,341 alleles (0.000084%); highest among the groups gnomAD compares: African/African-American, 0.0018%; no homozygotes.

Submissions (4):

Labcorp Genetics (formerly Invitae), Labcorp
Classification: Uncertain significance for Duchenne muscular dystrophy. Last evaluated: 2025-03-30. Review status: criteria provided, single submitter. Criteria: Invitae Variant Classification Sherloc (09022015). Collection method: clinical testing. Allele origin: germline.
Comment: This sequence change replaces threonine, which is neutral and polar, with alanine, which is neutral and non-polar, at codon 3675 of the DMD protein (p.Thr3675Ala). This variant is present in population databases (rs768016083, gnomAD 0.008%). This variant has not been reported in the literature in individuals affected with DMD-related conditions. ClinVar contains an entry for this variant (Variation ID: 455858). Invitae Evidence Modeling of protein sequence and biophysical properties (such as structural, functional, and spatial information, amino acid conservation, physicochemical variation, residue mobility, and thermodynamic stability) indicates that this missense variant is not expected to disrupt DMD protein function with a negative predictive value of 95%. In summary, the available evidence is currently insufficient to determine the role of this variant in disease. Therefore, it has been classified as a Variant of Uncertain Significance.

Fulgent Genetics
Classification: Uncertain significance for Becker muscular dystrophy; Dilated cardiomyopathy 3B; Duchenne muscular dystrophy. Last evaluated: 2021-08-24. Review status: criteria provided, single submitter. Criteria: ACMG Guidelines, 2015. Collection method: clinical testing. Allele origin: unknown.

Ambry Genetics
Classification: Uncertain significance for Cardiovascular phenotype. Last evaluated: 2020-05-06. Review status: criteria provided, single submitter. Criteria: Ambry Variant Classification Scheme 2023. Collection method: clinical testing. Allele origin: germline.
Comment: The p.T3675A variant (also known as c.11023A>G), located in coding exon 78 of the DMD gene, results from an A to G substitution at nucleotide position 11023. The threonine at codon 3675 is replaced by alanine, an amino acid with similar properties. This amino acid position is not well conserved in available vertebrate species; however, alanine is the reference amino acid in other vertebrate species. In addition, this alteration is predicted to be tolerated by in silico analysis. Since supporting evidence is limited at this time, the clinical significance of this alteration remains unclear.

Natera, Inc.
Classification: Uncertain significance for Becker muscular dystrophy; Cardiomyopathy; Duchenne muscular dystrophy; Dystrophin deficiency. Last evaluated: 2018-07-06. Review status: no assertion criteria provided. Collection method: clinical testing. Allele origin: germline. Not counted in ClinVar's aggregate classification.

NM_004006.3(DMD):c.11023A>G (p.Thr3675Ala)

Gene: DMD (dystrophin; minus strand). Cytogenetic location: Xp21.2.
Variant type: single nucleotide variant.
Coding change: c.11023A>G on transcript NM_004006.3 (MANE Select); coding-DNA position 11023, A replaced by G.
Protein change: p.Thr3675Ala; replaces threonine 3675 with alanine.
Molecular consequence: missense variant. On other transcripts: intron variant (5).
Genome position (GRCh38, 1-based): chrX:31,126,665, T>C on the plus strand (A>G on the coding strand, the complement: DMD is on the minus strand). VCF-style: chrX-31126665-T-C. GRCh37 (hg19) VCF-style: chrX-31144782-T-C.
Other names: c.10999A>G, p.Thr3667Ala (NM_000109.4); c.11011A>G, p.Thr3671Ala (NM_004009.3); c.10654A>G, p.Thr3552Ala (NM_004010.3); c.7000A>G, p.Thr2334Ala (NM_004011.4); c.6991A>G, p.Thr2331Ala (NM_004012.4); c.3643A>G, p.Thr1215Ala (NM_004013.3); c.2836A>G, p.Thr946Ala (NM_004014.3); c.1819A>G, p.Thr607Ala (NM_004015.3); and 7 more; short protein forms T3675A, T1105A, T1215A, T2334A, T946A, T3671A, T607A, T2331A.
Identifiers: ClinVar variation 455858 (VCV000455858.12), dbSNP rs768016083, ClinGen allele CA10377476.